The following is an entry in ClinVar:

ClinVar aggregate classification (germline): Pathogenic (1 of 4 stars; one submission).

Conditions:
Nemaline myopathy. Also called: Myopathies, Nemaline. Identifiers: Orphanet 607, MedGen C0206157, MONDO:0018958.

Submission:

Broad Center for Mendelian Genomics, Broad Institute of MIT and Harvard
Classification: Pathogenic for Nemaline myopathy. Last evaluated: 2025-03-03. Review status: criteria provided, single submitter. Criteria: ACMG Guidelines, 2015. Collection method: curation. Allele origin: germline. Inheritance: Autosomal recessive inheritance.
Comment: The c.22161+1_22161+9del variant in NEB has been reported, in the compound heterozygous state, in 1 individual with nemaline myopathy (PMID: 16917880), and has been identified in 0.0002% (2/1172642) of European (non-Finnish) chromosomes by the Genome Aggregation Database (gnomAD). Although this variant has been seen in the general population in a heterozygous state, its frequency is low enough to be consistent with a recessive carrier frequency. This variant is located in the 5' splice region. SpliceAI predictions indicate use of an out-of-frame cryptic splice site 23 bases from the intron-exon boundary, providing evidence that this variant may cause a frameshift and lead to a premature termination codon downstream. This alteration is then predicted to lead to a truncated or absent protein. However, this information is not predictive enough to determine pathogenicity. Loss of function of the NEB gene is an established disease mechanism in autosomal recessive nemaline myopathy. In summary, this variant meets criteria to be classified as pathogenic for autosomal recessive nemaline myopathy. ACMG/AMP Criteria applied: PVS1, PM2_supporting, PM3_supporting (Richards 2015).

NM_001164508.2(NEB):c.22161+1_22161+9del

Genes: NEB (nebulin; minus strand), RIF1 (replication timing regulatory factor 1; plus strand). Cytogenetic location: 2q23.3.
Variant type: Deletion.
Coding change: c.22161+1_22161+9del on transcript NM_001164508.2 (MANE Select); the canonical splice donor site of the intron after coding-DNA position 22161 through 9 bases into the intron after coding-DNA position 22161, 9 bases deleted (GTAAGTGAT; older notation c.22161+1_22161+9delGTAAGTGAT).
Molecular consequence: splice donor variant.
Genome position (GRCh38, 1-based): chr2:151,525,949-151,525,957, ATCACTTAC deleted on the plus strand (GTAAGTGAT on the coding strand, the reverse complement: NEB is on the minus strand); deleting any 9 consecutive bases within chr2:151,525,949-151,525,963 gives the same sequence; the c. name uses the placement nearest the transcript's 3' end. VCF-style (leftmost placement, unchanged base first): chr2-151525948-GATCACTTAC-G. GRCh37 (hg19) VCF-style: chr2-152382462-GATCACTTAC-G.
Other names: NM_001164508.2:c.22161+1_22161+9del; c.17058+1_17058+9del (NM_004543.5); c.22161+1_22161+9del (NM_001164507.2); c.22266+1_22266+9del (NM_001271208.2).
Identifiers: ClinVar variation 3776966 (VCV003776966.1).